The following is an entry in ClinVar:

ClinVar aggregate classification (germline): Uncertain significance. Review status: criteria provided, multiple submitters, no conflicts (2 of 4 stars). 2 submissions from 2 submitters: Uncertain significance (2). Last evaluated 2025-06-06.

Conditions:
Inborn genetic diseases. Identifiers: MedGen C0950123, MeSH D030342.

Allele frequency attached by ClinVar (database versions not stated): gnomAD 0.00001; gnomAD exomes 0.00001 and 0.00003; TOPMed 0.00001; ExAC 0.00004.
gnomAD v4.1: 19 of 1,598,324 alleles (0.0012%); highest among the groups gnomAD compares: South Asian, 0.011%; no homozygotes.

Submissions (2):

Ambry Genetics
Classification: Uncertain significance for Inborn genetic diseases. Last evaluated: 2025-06-06. Review status: criteria provided, single submitter. Criteria: Ambry Variant Classification Scheme 2023. Collection method: clinical testing. Allele origin: germline.

Labcorp Genetics (formerly Invitae), Labcorp
Classification: Uncertain significance. Last evaluated: 2023-11-27. Review status: criteria provided, single submitter. Criteria: Invitae Variant Classification Sherloc (09022015). Collection method: clinical testing. Allele origin: germline.
Comment: This sequence change replaces arginine, which is basic and polar, with histidine, which is basic and polar, at codon 482 of the SZT2 protein (p.Arg482His). This variant is present in population databases (rs760425092, gnomAD 0.02%). This variant has not been reported in the literature in individuals affected with SZT2-related conditions. ClinVar contains an entry for this variant (Variation ID: 958872). Advanced modeling of protein sequence and biophysical properties (such as structural, functional, and spatial information, amino acid conservation, physicochemical variation, residue mobility, and thermodynamic stability) performed at Invitae indicates that this missense variant is not expected to disrupt SZT2 protein function with a negative predictive value of 80%. In summary, the available evidence is currently insufficient to determine the role of this variant in disease. Therefore, it has been classified as a Variant of Uncertain Significance.

NM_001365999.1(SZT2):c.1445G>A (p.Arg482His)

Gene: SZT2 (SZT2 subunit of KICSTOR complex; plus strand). Cytogenetic location: 1p34.2.
Variant type: single nucleotide variant.
Coding change: c.1445G>A on transcript NM_001365999.1 (MANE Select); coding-DNA position 1445, G replaced by A.
Protein change: p.Arg482His; replaces arginine 482 with histidine.
Molecular consequence: missense variant.
Genome position (GRCh38, 1-based): chr1:43,420,932, G>A. VCF-style: chr1-43420932-G-A. GRCh37 (hg19) VCF-style: chr1-43886603-G-A.
Other names: c.1445G>A, p.Arg482His (NM_015284.4); short protein forms R482H.
Identifiers: ClinVar variation 958872 (VCV000958872.10), dbSNP rs760425092, ClinGen allele CA808415.
Genomic context (GRCh38, chr1:43,420,932, plus strand): 5'-CGATGGAAGGCGGCTACGACATTTTGCATGATGTGTCCTGTGCACTAAGGCAGCCCATTC[G>A]TTCATTGTATCGTACCCATGTTATCCGGCGTTTCTGGAACACGCTGCAGAGGTCAGTGAA-3'
Protein context (NP_001352928.1, residues 472-492): DVSCALRQPI[Arg482His]SLYRTHVIRR